The following is an entry in ClinVar:

NM_001084.5(PLOD3):c.1447T>G (p.Ser483Ala)

Gene: PLOD3 (procollagen-lysine,2-oxoglutarate 5-dioxygenase 3; minus strand). Cytogenetic location: 7q22.1.
Variant type: single nucleotide variant.
Coding change: c.1447T>G on transcript NM_001084.5 (MANE Select); coding-DNA position 1447, T replaced by G.
Protein change: p.Ser483Ala; replaces serine 483 with alanine.
Molecular consequence: missense variant.
Genome position (GRCh38, 1-based): chr7:101,210,585, A>C on the plus strand (T>G on the coding strand, the complement: PLOD3 is on the minus strand). VCF-style: chr7-101210585-A-C. GRCh37 (hg19) VCF-style: chr7-100853866-A-C.
Other names: c.1447T>G (NM_001084.4); short protein forms S483A.
Identifiers: ClinVar variation 1449592 (VCV001449592.9), dbSNP rs376119433, ClinGen allele CA4407676.
Genomic context (GRCh38, chr7:101,210,585, plus strand): 5'-CGCTCACCTTGTCTCGAAAGCTCTTACAGAAGGCCATGTCCGGGTCTGTGTCACTGCCCG[A>C]GAACACATCCCTCTGGGGCAGCTCCATCCGCAGGGTATCACCCCGGATCACATAGGCCTG-3'
Protein context (NP_001075.1, residues 473-493): RMELPQRDVF[Ser483Ala]GSDTDPDMAF

ClinVar aggregate classification (germline): Uncertain significance. Review status: criteria provided, multiple submitters, no conflicts (2 of 4 stars). 2 submissions from 2 submitters: Uncertain significance (2). Last evaluated 2024-11-09.

Conditions:
Inborn genetic diseases. Identifiers: MedGen C0950123, MeSH D030342.

Allele frequency attached by ClinVar (database versions not stated): ExAC 0.00001; gnomAD exomes 0.00001; gnomAD 0.00006; TOPMed 0.00007; ESP Exome Variant Server 0.00015.

Submissions (2):

Ambry Genetics
Classification: Uncertain significance for Inborn genetic diseases. Last evaluated: 2024-11-09. Review status: criteria provided, single submitter. Criteria: Ambry Variant Classification Scheme 2023. Collection method: clinical testing. Allele origin: germline.

Labcorp Genetics (formerly Invitae), Labcorp
Classification: Uncertain significance. Last evaluated: 2021-02-21. Review status: criteria provided, single submitter. Criteria: Invitae Variant Classification Sherloc (09022015). Collection method: clinical testing. Allele origin: germline.
Comment: This sequence change replaces serine with alanine at codon 483 of the PLOD3 protein (p.Ser483Ala). The serine residue is moderately conserved and there is a moderate physicochemical difference between serine and alanine. This variant is present in population databases (rs376119433, ExAC 0.01%). This variant has not been reported in the literature in individuals with PLOD3-related conditions. Algorithms developed to predict the effect of missense changes on protein structure and function (SIFT, PolyPhen-2, Align-GVGD) all suggest that this variant is likely to be tolerated, but these predictions have not been confirmed by published functional studies and their clinical significance is uncertain. In summary, the available evidence is currently insufficient to determine the role of this variant in disease. Therefore, it has been classified as a Variant of Uncertain Significance.